The following is an entry in ClinVar:

ClinVar aggregate classification (germline): Uncertain significance. Review status: criteria provided, single submitter (1 of 4 stars). 2 submissions from 2 submitters: Uncertain significance (1). 1 of the submissions does not count toward it. Last evaluated 2019-11-19.

Conditions:
PLXNA1-related disorder. Also called: PLXNA1-related condition.
Dworschak-Punetha neurodevelopmental syndrome (DWOPNED). Identifiers: MedGen C5677017, MONDO:0859260, OMIM 619955.

gnomAD v4.1: 12 of 1,613,110 alleles (0.00074%); highest among the groups gnomAD compares: South Asian, 0.0022%; no homozygotes.

Submissions (2):

New York Genome Center
Classification: Uncertain significance for Dworschak-Punetha neurodevelopmental syndrome. Last evaluated: 2019-11-19. Review status: criteria provided, single submitter. Criteria: NYGC Assertion Criteria 2020. Collection method: clinical testing. Allele origin: germline. Observed: 1 heterozygote. Study: CSER-NYCKidSeq.

PreventionGenetics, part of Exact Sciences
Classification: Uncertain significance for PLXNA1-related condition. Last evaluated: 2024-07-15. Review status: no assertion criteria provided. Collection method: clinical testing. Allele origin: germline. Not counted in ClinVar's aggregate classification.
Comment: The PLXNA1 c.2704G>A variant is predicted to result in the amino acid substitution p.Val902Met. To our knowledge, this variant has not been reported in the literature. This variant is reported in 0.0033% of alleles in individuals of South Asian descent in gnomAD. At this time, the clinical significance of this variant is uncertain due to the absence of conclusive functional and genetic evidence.

NM_032242.4(PLXNA1):c.2704G>A (p.Val902Met)

Gene: PLXNA1 (plexin A1; plus strand). Cytogenetic location: 3q21.3.
Variant type: single nucleotide variant.
Coding change: c.2704G>A on transcript NM_032242.4 (MANE Select); coding-DNA position 2704, G replaced by A.
Protein change: p.Val902Met; replaces valine 902 with methionine.
Molecular consequence: missense variant.
Genome position (GRCh38, 1-based): chr3:127,014,577, G>A. VCF-style: chr3-127014577-G-A. GRCh37 (hg19) VCF-style: chr3-126733420-G-A.
Other names: short protein forms V902M.
Identifiers: ClinVar variation 977445 (VCV000977445.4), dbSNP rs145637703, ClinGen allele CA354386999.